The following is an entry in ClinVar:

NM_016327.3(UPB1):c.*4G>A

Genes: UPB1 (beta-ureidopropionase 1; plus strand), LOC130067121 (ATAC-STARR-seq lymphoblastoid active region 18778; plus strand). Cytogenetic location: 22q11.23.
Variant type: single nucleotide variant.
Coding change: c.*4G>A on transcript NM_016327.3 (MANE Select); 4 bases downstream of the stop codon, G replaced by A.
Molecular consequence: 3 prime UTR variant.
Genome position (GRCh38, 1-based): chr22:24,525,798, G>A. VCF-style: chr22-24525798-G-A. GRCh37 (hg19) VCF-style: chr22-24921766-G-A.
Identifiers: ClinVar variation 3046492 (VCV003046492.2), dbSNP rs1410230959, ClinGen allele CA638720750.

ClinVar aggregate classification (germline): Likely benign (0 of 4 stars; one submission).

Conditions:
UPB1-related disorder. Also called: UPB1-related condition.

Allele frequency attached by ClinVar (database versions not stated): gnomAD exomes below 0.00001.

Submission:

PreventionGenetics, part of Exact Sciences
Classification: Likely benign for UPB1-related condition. Last evaluated: 2019-04-23. Review status: no assertion criteria provided. Collection method: clinical testing. Allele origin: germline.
Comment: This variant is classified as likely benign based on ACMG/AMP sequence variant interpretation guidelines (Richards et al. 2015 PMID: 25741868, with internal and published modifications).